The following is an entry in ClinVar:

ClinVar aggregate classification (germline): Uncertain significance (1 of 4 stars; one submission).

Conditions:
Au-Kline syndrome. Also called: Okamoto syndrome; Neurodevelopmental disorder-craniofacial dysmorphism-cardiac defect-hip dysplasia syndrome due to a point mutation. Identifiers: Orphanet 2729, Orphanet 453499, Orphanet 453504, MedGen C4225274, MONDO:0014700, OMIM 616580.

Submission:

MVZ Medizinische Genetik Mainz
Classification: Uncertain significance for Au-Kline syndrome. Last evaluated: 2025-04-01. Review status: criteria provided, single submitter. Criteria: UK Practice Guidelines For Variant Classification V4 01 2020. Collection method: clinical testing. Allele origin: germline. Inheritance: Autosomal dominant inheritance. Affected: yes. Observed: 1 variant allele.
Comment: ACMG Criteria: PVS1_STR,PM2_SUP

NM_031263.4(HNRNPK):c.517-1_524del

Genes: HNRNPK (heterogeneous nuclear ribonucleoprotein K; minus strand), HNRNPK-AS1 (HNRNPK antisense RNA 1; plus strand). Cytogenetic location: 9q21.32.
Variant type: Deletion.
Coding change: c.517-1_524del on transcript NM_031263.4 (MANE Select); the canonical splice acceptor site of the intron before coding-DNA position 517 through coding-DNA position 524, 9 bases deleted (GAACACTCA; older notation c.517-1_524delGAACACTCA).
Molecular consequence: splice acceptor variant.
Genome position (GRCh38, 1-based): chr9:83,972,965-83,972,973, TGAGTGTTC deleted on the plus strand (GAACACTCA on the coding strand, the reverse complement: HNRNPK is on the minus strand); deleting any 9 consecutive bases within chr9:83,972,965-83,972,975 gives the same sequence; the c. name uses the placement nearest the transcript's 3' end. VCF-style (leftmost placement, unchanged base first): chr9-83972964-TTGAGTGTTC-T. GRCh37 (hg19) VCF-style: chr9-86587879-TTGAGTGTTC-T.
Other names: c.517-1_524del (NM_031262.4, NM_002140.5, NM_001318188.2); c.445-1_452del (NM_001318186.2, NM_001318187.2).
Identifiers: ClinVar variation 3894570 (VCV003894570.1).
Genomic context (GRCh38, chr9:83,972,964, plus strand): 5'-AATAAGAACAACTCTGTCAGTGGAATGAGGACAGCATTCCTGGAAAAGCTTGATGGTGGT[TTGAGTGTTC>T]TGTAGTAAGATCATAAAAAAAAATAATAATAATTAGAAGAAAATTAGCTTTCCTAGGTTC-3'